The following is an entry in ClinVar:

NM_213599.3(ANO5):c.138+14A>G

Gene: ANO5 (anoctamin 5; plus strand). Cytogenetic location: 11p14.3.
Variant type: single nucleotide variant.
Coding change: c.138+14A>G on transcript NM_213599.3 (MANE Select); 14 bases into the intron after coding-DNA position 138, A replaced by G.
Molecular consequence: intron variant.
Genome position (GRCh38, 1-based): chr11:22,211,328, A>G. VCF-style: chr11-22211328-A-G. GRCh37 (hg19) VCF-style: chr11-22232874-A-G.
Other names: c.135+14A>G (NM_001142649.2).
Identifiers: ClinVar variation 682061 (VCV000682061.1), dbSNP rs1275834009, ClinGen allele CA597909645.

ClinVar aggregate classification (germline): Likely benign (1 of 4 stars; one submission).

Allele frequency attached by ClinVar (database versions not stated): TOPMed below 0.00001 and 0.00001; gnomAD exomes below 0.00001; gnomAD 0.00001.
gnomAD v4.1: 2 of 1,610,958 alleles (0.00012%); highest among the groups gnomAD compares: African/African-American, 0.0013%; no homozygotes.

Submission:

GeneDx
Classification: Likely benign. Last evaluated: 2018-04-19. Review status: criteria provided, single submitter. Criteria: GeneDx Variant Classification (06012015). Collection method: clinical testing. Allele origin: germline. Affected: yes.
Comment: This variant is considered likely benign or benign based on one or more of the following criteria: it is a conservative change, it occurs at a poorly conserved position in the protein, it is predicted to be benign by multiple in silico algorithms, and/or has population frequency not consistent with disease.